The following is an entry in ClinVar:

ClinVar aggregate classification (germline): Uncertain significance. Review status: criteria provided, multiple submitters, no conflicts (2 of 4 stars). 4 submissions from 4 submitters: Uncertain significance (4). Last evaluated 2024-06-24.

Conditions:
Leukocyte adhesion deficiency 1 (LAD1). Also called: LAD 1; Lymphocyte function-associated antigen 1 immunodeficiency; LFA 1 immunodeficiency; LEUKOCYTE ADHESION DEFICIENCY, TYPE I. Identifiers: Orphanet 2968, Orphanet 99842, MedGen C0398738, MONDO:0007293, OMIM 116920.

Allele frequency attached by ClinVar (database versions not stated): gnomAD exomes 0.00002 and 0.00005; gnomAD 0.00004 and 0.00005; ExAC 0.00007; TOPMed 0.00008; 1000 Genomes Project 30x 0.00016; 1000 Genomes Project 0.00020.
gnomAD v4.1: 42 of 1,613,916 alleles (0.0026%); highest among the groups gnomAD compares: Middle Eastern, 0.017%; no homozygotes.

Submissions (4):

Labcorp Genetics (formerly Invitae), Labcorp
Classification: Uncertain significance for Leukocyte adhesion deficiency 1. Last evaluated: 2024-06-24. Review status: criteria provided, single submitter. Criteria: Invitae Variant Classification Sherloc (09022015). Collection method: clinical testing. Allele origin: germline.
Comment: This sequence change replaces alanine, which is neutral and non-polar, with valine, which is neutral and non-polar, at codon 74 of the ITGB2 protein (p.Ala74Val). This variant is present in population databases (rs201354221, gnomAD 0.01%). This variant has not been reported in the literature in individuals affected with ITGB2-related conditions. ClinVar contains an entry for this variant (Variation ID: 643526). Algorithms developed to predict the effect of missense changes on protein structure and function output the following: SIFT: "Not Available"; PolyPhen-2: "Benign"; Align-GVGD: "Not Available". The valine amino acid residue is found in multiple mammalian species, which suggests that this missense change does not adversely affect protein function. In summary, the available evidence is currently insufficient to determine the role of this variant in disease. Therefore, it has been classified as a Variant of Uncertain Significance.

Blueprint Genetics
Classification: Uncertain significance. Last evaluated: 2024-01-29. Review status: criteria provided, single submitter. Criteria: ACMG Guidelines, 2015. Collection method: clinical testing. Allele origin: germline.

ARUP Laboratories, Molecular Genetics and Genomics, ARUP Laboratories
Classification: Uncertain significance for Leukocyte adhesion deficiency 1. Last evaluated: 2023-08-25. Review status: criteria provided, single submitter. Criteria: ARUP Molecular Germline Variant Investigation Process 2024. Collection method: clinical testing. Allele origin: germline.

Fulgent Genetics
Classification: Uncertain significance for Leukocyte adhesion deficiency 1. Last evaluated: 2022-05-23. Review status: criteria provided, single submitter. Criteria: ACMG Guidelines, 2015. Collection method: clinical testing. Allele origin: unknown.

NM_000211.5(ITGB2):c.221C>T (p.Ala74Val)

Gene: ITGB2 (integrin subunit beta 2; minus strand). Cytogenetic location: 21q22.3.
Variant type: single nucleotide variant.
Coding change: c.221C>T on transcript NM_000211.5 (MANE Select); coding-DNA position 221, C replaced by T.
Protein change: p.Ala74Val; replaces alanine 74 with valine.
Molecular consequence: missense variant.
Genome position (GRCh38, 1-based): chr21:44,907,022, G>A on the plus strand (C>T on the coding strand, the complement: ITGB2 is on the minus strand). VCF-style: chr21-44907022-G-A. GRCh37 (hg19) VCF-style: chr21-46326937-G-A.
Other names: c.221C>T, p.Ala74Val (NM_001127491.3); c.14C>T, p.Ala5Val (NM_001303238.2); short protein forms A5V, A74V.
Identifiers: ClinVar variation 643526 (VCV000643526.12), dbSNP rs201354221, ClinGen allele CA10063289.